The following is an entry in ClinVar:

ClinVar aggregate classification (germline): Uncertain significance (1 of 4 stars; one submission).

Submission:

Labcorp Genetics (formerly Invitae), Labcorp
Classification: Uncertain significance. Last evaluated: 2024-11-15. Review status: criteria provided, single submitter. Criteria: Invitae Variant Classification Sherloc (09022015). Collection method: clinical testing. Allele origin: germline.
Comment: This variant, c.70_84del, results in the deletion of 5 amino acid(s) of the RCOR1 protein (p.Ser24_Ala28del), but otherwise preserves the integrity of the reading frame. The frequency data for this variant in the population databases is considered unreliable, as metrics indicate poor data quality at this position in the gnomAD database. This variant has not been reported in the literature in individuals affected with RCOR1-related conditions. In summary, the available evidence is currently insufficient to determine the role of this variant in disease. Therefore, it has been classified as a Variant of Uncertain Significance.

NM_015156.4(RCOR1):c.70_84del (p.Ser24_Ala28del)

Gene: RCOR1 (REST corepressor 1; plus strand). Cytogenetic location: 14q32.31.
Variant type: Deletion.
Coding change: c.70_84del on transcript NM_015156.4 (MANE Select); coding-DNA positions 70 to 84, 15 bases deleted (TCCGCCTCCGCCGCC).
Protein change: p.Ser24_Ala28del.
Genome position (GRCh38, 1-based): chr14:102,592,956-102,592,970, TCCGCCTCCGCCGCC deleted; deleting any 15 consecutive bases within chr14:102,592,950-102,592,970 gives the same sequence; the c. name uses the placement nearest the transcript's 3' end. VCF-style (leftmost placement, unchanged base first): chr14-102592949-GGCCGCCTCCGCCTCC-G. GRCh37 (hg19) VCF-style: chr14-103059286-GGCCGCCTCCGCCTCC-G.
Identifiers: ClinVar variation 3706927 (VCV003706927.2).